The following is an entry in ClinVar:

ClinVar aggregate classification (germline): Conflicting classifications of pathogenicity. Review status: criteria provided, conflicting classifications (1 of 4 stars). 4 submissions from 4 submitters: Uncertain significance (3); Likely benign (1). Last evaluated 2025-09-27.

Conditions:
Cardiovascular phenotype. Identifiers: MedGen CN230736.
Hereditary cancer-predisposing syndrome. Also called: Hereditary neoplastic syndrome; Neoplastic Syndromes, Hereditary; Tumor predisposition; Hereditary Cancer Syndrome. Identifiers: Orphanet 140162, MedGen C0027672, MeSH D009386, MONDO:0015356.
Neurofibromatosis, type 1 (NF1). Also called: VON RECKLINGHAUSEN DISEASE; Peripheral type neurofibromatosis; NEUROFIBROMATOSIS, TYPE I, SOMATIC; Neurofibromatosis, type I. Identifiers: Orphanet 636, MedGen C0027831, MONDO:0018975, OMIM 162200. Disease mechanism: loss of function.

Allele frequency attached by ClinVar (database versions not stated): gnomAD exomes below 0.00001; ExAC 0.00001; gnomAD 0.00002; TOPMed 0.00002; ESP Exome Variant Server 0.00008.
gnomAD v4.1: 6 of 1,607,394 alleles (0.00037%); highest among the groups gnomAD compares: Middle Eastern, 0.016%; no homozygotes.

Submissions (4):

Labcorp Genetics (formerly Invitae), Labcorp
Classification: Likely benign for Neurofibromatosis, type 1. Last evaluated: 2025-09-27. Review status: criteria provided, single submitter. Criteria: Invitae Variant Classification Sherloc (09022015). Collection method: clinical testing. Allele origin: germline.

GeneDx
Classification: Uncertain significance. Last evaluated: 2023-11-13. Review status: criteria provided, single submitter. Criteria: GeneDx Variant Classification Process June 2021. Collection method: clinical testing. Allele origin: germline. Affected: yes.
Comment: In silico analysis supports that this missense variant does not alter protein structure/function; Identified with a truncating NF1 variant in one individual in published literature; it is not known whether the variants occurred on the same (in cis) allele or on opposite (in trans) alleles (PMID: 33231931); This variant is associated with the following publications: (PMID: 33231931)

Genome-Nilou Lab
Classification: Uncertain significance for Neurofibromatosis, type 1. Last evaluated: 2022-03-15. Review status: criteria provided, single submitter. Criteria: ACMG Guidelines, 2015. Collection method: clinical testing. Allele origin: germline. Affected: no.

Ambry Genetics
Classification: Uncertain significance for Cardiovascular phenotype; Hereditary cancer-predisposing syndrome. Last evaluated: 2020-11-06. Review status: criteria provided, single submitter. Criteria: Ambry Variant Classification Scheme 2023. Collection method: clinical testing. Allele origin: germline.

NM_001042492.3(NF1):c.5263A>G (p.Ile1755Val)

Gene: NF1 (neurofibromin 1; plus strand). Cytogenetic location: 17q11.2.
Variant type: single nucleotide variant.
Coding change: c.5263A>G on transcript NM_001042492.3 (MANE Select); coding-DNA position 5263, A replaced by G.
Protein change: p.Ile1755Val; replaces isoleucine 1755 with valine.
Molecular consequence: missense variant.
Genome position (GRCh38, 1-based): chr17:31,326,247, A>G. VCF-style: chr17-31326247-A-G. GRCh37 (hg19) VCF-style: chr17-29653265-A-G.
Other names: c.5200A>G, p.Ile1734Val (NM_000267.4); short protein forms I1734V, I1755V.
Identifiers: ClinVar variation 484002 (VCV000484002.14), dbSNP rs370181275, ClinGen allele CA8487153.
Genomic context (GRCh38, chr17:31,326,247, plus strand): 5'-GAGGACCTGAAGGTATTCCACAATGCTCTCAAGCTAGCTCACAAAGACACCAAAGTTTCT[A>G]TTAAAGTAAGTTCCAGTCTGTGTTTTGTAAACGATTCATTGCTTTTCTTGACTAACTAGA-3'
Protein context (NP_001035957.1, residues 1745-1765): KLAHKDTKVS[Ile1755Val]KVGSTAVQVT